The following is an entry in ClinVar:

NM_000540.3(RYR1):c.4980C>T (p.Arg1660=)

Gene: RYR1 (ryanodine receptor 1; plus strand). Cytogenetic location: 19q13.2.
Variant type: single nucleotide variant.
Coding change: c.4980C>T on transcript NM_000540.3 (MANE Select); coding-DNA position 4980, C replaced by T.
Protein change: p.Arg1660=; no amino-acid change (arginine 1660 retained).
Molecular consequence: synonymous variant.
Genome position (GRCh38, 1-based): chr19:38,485,635, C>T. VCF-style: chr19-38485635-C-T. GRCh37 (hg19) VCF-style: chr19-38976275-C-T.
Other names: p.Arg1660=; c.4980C>T, p.Arg1660= (NM_001042723.2).
Identifiers: ClinVar variation 289917 (VCV000289917.63), dbSNP rs374115286, ClinGen allele CA066575.

ClinVar aggregate classification (germline): Conflicting classifications of pathogenicity. Review status: criteria provided, conflicting classifications (1 of 4 stars). 11 submissions from 9 submitters: Uncertain significance (4); Likely benign (7). Last evaluated 2026-01-28.

Conditions:
RYR1-related disorder. Also called: RYR1-related disorders; RYR1-related condition. Identifiers: MedGen CN239331.
Malignant hyperthermia, susceptibility to, 1 (MHS1). Also called: RYR1-Related Malignant Hyperthermia Susceptibility; Malignant hyperthermia suceptibility 1; Anesthesia related hyperthermia; Malignant hyperpyrexia; Fulminating hyperpyrexia; Pharmacogenic myopathy. Identifiers: Orphanet 423, MedGen C2930980, MONDO:0007783, OMIM 145600.
Central core myopathy (CMYO1A). Also called: CONGENITAL MYOPATHY 1A, AUTOSOMAL DOMINANT, WITH SUSCEPTIBILITY TO MALIGNANT HYPERTHERMIA; Central core disease; Myopathy, central fibrillar. Identifiers: Orphanet 597, MedGen C5830701, MONDO:0007294, OMIM 117000.
Congenital multicore myopathy with external ophthalmoplegia (CMYO1B). Also called: Minicore myopathy with external ophthalmoplegia; MULTIMINICORE DISEASE WITH EXTERNAL OPHTHALMOPLEGIA; Congenital myopathy 1B, autosomal recessive; Minicore myopathy; MULTICORE MYOPATHY. Identifiers: Orphanet 598, Orphanet 98905, MedGen C1850674, MONDO:0009712, OMIM 255320, HP:0003789.

Allele frequency attached by ClinVar (database versions not stated): ExAC 0.00001; gnomAD 0.00002; gnomAD exomes 0.00007 and 0.00008; TOPMed 0.00008; ESP Exome Variant Server 0.00015.
gnomAD v4.1: 114 of 1,610,332 alleles (0.0071%); highest among the groups gnomAD compares: Middle Eastern, 0.1%; no homozygotes.

Submissions (11):

Labcorp Genetics (formerly Invitae), Labcorp
Classification: Likely benign for RYR1-related disorder. Last evaluated: 2026-01-28. Review status: criteria provided, single submitter. Criteria: Invitae Variant Classification Sherloc (09022015). Collection method: clinical testing. Allele origin: germline.

CeGaT Center for Human Genetics Tuebingen
Classification: Likely benign. Last evaluated: 2026-01-01. Review status: criteria provided, single submitter. Criteria: CeGaT Center For Human Genetics Tuebingen Variant Classification Criteria Version 2. Collection method: clinical testing. Allele origin: germline. Affected: yes. Observed: 2 variant alleles.
Comment: RYR1: BP4, BP7

Mayo Clinic Laboratories, Mayo Clinic
Classification: Likely benign. Last evaluated: 2025-02-27. Review status: criteria provided, single submitter. Criteria: ACMG Guidelines, 2015. Collection method: clinical testing. Allele origin: germline. Observed: 2 variant alleles.
Comment: BP4, BP7

Women's Health and Genetics/Laboratory Corporation of America, LabCorp
Classification: Likely benign. Last evaluated: 2024-11-19. Review status: criteria provided, single submitter. Criteria: LabCorp Variant Classification Summary - May 2015. Collection method: clinical testing. Allele origin: germline.

Blueprint Genetics
Classification: Likely benign. Last evaluated: 2024-06-28. Review status: criteria provided, single submitter. Criteria: ACMG Guidelines, 2015. Collection method: clinical testing. Allele origin: germline.

Color Diagnostics, LLC DBA Color Health
Classification: Likely benign for Malignant hyperthermia, susceptibility to, 1. Last evaluated: 2022-11-06. Review status: criteria provided, single submitter. Criteria: ACMG Guidelines, 2015. Collection method: clinical testing. Allele origin: germline.

PreventionGenetics, part of Exact Sciences
Classification: Likely benign. Last evaluated: 2018-10-11. Review status: criteria provided, single submitter. Criteria: ACMG Guidelines, 2015. Collection method: clinical testing. Allele origin: germline.

Illumina Laboratory Services, Illumina
Classification: Uncertain significance for Central core myopathy. Last evaluated: 2018-01-13. Review status: criteria provided, single submitter. Criteria: ICSL Variant Classification Criteria 13 December 2019. Collection method: clinical testing. Allele origin: germline.

Illumina Laboratory Services, Illumina
Classification: Uncertain significance for Malignant hyperthermia, susceptibility to, 1. Last evaluated: 2018-01-13. Review status: criteria provided, single submitter. Criteria: ICSL Variant Classification Criteria 13 December 2019. Collection method: clinical testing. Allele origin: germline.

Illumina Laboratory Services, Illumina
Classification: Uncertain significance for Congenital multicore myopathy with external ophthalmoplegia. Last evaluated: 2018-01-13. Review status: criteria provided, single submitter. Criteria: ICSL Variant Classification Criteria 13 December 2019. Collection method: clinical testing. Allele origin: germline.

Eurofins Ntd Llc (ga)
Classification: Uncertain significance. Last evaluated: 2016-08-31. Review status: criteria provided, single submitter. Criteria: EGL Classification Definitions 2015. Collection method: clinical testing. Allele origin: germline. Observed: 1 variant allele, 1 heterozygote.